The following is an entry in ClinVar:

NM_000218.3(KCNQ1):c.1394-4506A>G

Genes: KCNQ1 (potassium voltage-gated channel subfamily Q member 1; plus strand), KCNQ1OT1 (KCNQ1 opposite strand/antisense transcript 1; minus strand). Cytogenetic location: 11p15.5.
Variant type: single nucleotide variant.
Coding change: c.1394-4506A>G on transcript NM_000218.3 (MANE Select); 4506 bases into the intron before coding-DNA position 1394, A replaced by G.
Molecular consequence: intron variant.
Genome position (GRCh38, 1-based): chr11:2,657,455, A>G. VCF-style: chr11-2657455-A-G. GRCh37 (hg19) VCF-style: chr11-2678685-A-G.
Other names: c.1394-4506A>G (NM_000218.2); c.1124-4506A>G (NM_001406837.1); c.1298-4506A>G (NM_001406836.1); c.854-4506A>G (NM_001406838.1); c.1013-4506A>G (NM_181798.2).
Identifiers: ClinVar variation 2578637 (VCV002578637.26), dbSNP rs543122652, ClinGen allele CA216167513.
Genomic context (GRCh38, chr11:2,657,455, plus strand): 5'-TACAATTTTCTCCAGAGTTCTTGCATATACTTAGTTAGATAATTAATATTCTTTTGTGCT[A>G]TTGTATACAGGTTCTGTTTTCTCTTGTTACCTCACATTTTTTATTTACAGAAGAGAAACA-3'

ClinVar aggregate classification (germline): Benign/Likely benign. Review status: criteria provided, multiple submitters, no conflicts (2 of 4 stars). 2 submissions from 2 submitters: Benign (1); Likely benign (1). Last evaluated 2026-09-01.

Conditions:
KCNQ1-related disorder. Also called: KCNQ1-related condition; KCNQ1-related disorders. Identifiers: MedGen CN239322.

Allele frequency attached by ClinVar (database versions not stated): 1000 Genomes Project 0.00060; 1000 Genomes Project 30x 0.00094; gnomAD 0.00147; TOPMed 0.00150; gnomAD exomes 0.00214.
gnomAD v4.1: 732 of 398,526 alleles (0.18%); highest among the groups gnomAD compares: Non-Finnish European, 0.28%; 2 homozygotes.

Submissions (2):

CeGaT Center for Human Genetics Tuebingen
Classification: Benign. Last evaluated: 2026-09-01. Review status: criteria provided, single submitter. Criteria: CeGaT Center For Human Genetics Tuebingen Variant Classification Criteria Version 2. Collection method: clinical testing. Allele origin: germline. Affected: yes. Observed: 20 variant alleles.
Comment: KCNQ1OT1: BS1, BS2

PreventionGenetics, part of Exact Sciences
Classification: Likely benign for KCNQ1-related condition. Last evaluated: 2025-08-18. Review status: criteria provided, single submitter. Criteria: ACMG Guidelines, 2015. Collection method: clinical testing. Allele origin: germline.
Comment: This variant is classified as likely benign based on ACMG/AMP sequence variant interpretation guidelines (Richards et al. 2015 PMID: 25741868, with internal and published modifications).